The following is an entry in ClinVar:

NM_000059.4(BRCA2):c.3979G>T (p.Ala1327Ser)

Gene: BRCA2 (BRCA2 DNA repair associated; plus strand). Cytogenetic location: 13q13.1.
Variant type: single nucleotide variant.
Coding change: c.3979G>T on transcript NM_000059.4 (MANE Select); coding-DNA position 3979, G replaced by T.
Protein change: p.Ala1327Ser; replaces alanine 1327 with serine.
Molecular consequence: missense variant.
Genome position (GRCh38, 1-based): chr13:32,338,334, G>T. VCF-style: chr13-32338334-G-T. GRCh37 (hg19) VCF-style: chr13-32912471-G-T.
Other names: short protein forms A1327S.
Identifiers: ClinVar variation 630086 (VCV000630086.13), dbSNP rs1566229476, ClinGen allele CA387778952.

ClinVar aggregate classification (germline): Conflicting classifications of pathogenicity. Review status: criteria provided, conflicting classifications (1 of 4 stars). 4 submissions from 4 submitters: Uncertain significance (3); Likely benign (1). Last evaluated 2023-12-05.

Conditions:
Hereditary cancer-predisposing syndrome. Also called: Neoplastic Syndromes, Hereditary; Tumor predisposition; Hereditary neoplastic syndrome; Hereditary Cancer Syndrome. Identifiers: Orphanet 140162, MedGen C0027672, MeSH D009386, MONDO:0015356.
Hereditary breast ovarian cancer syndrome. Also called: Hereditary breast and ovarian cancer syndrome; Hereditary breast and ovarian cancer; Hereditary breast and ovarian cancer syndrome (HBOC); Breast and ovarian cancer; Hereditary breast and/or ovarian cancer syndrome; BRCA1- and BRCA2-Associated Hereditary Breast and Ovarian Cancer. Identifiers: Orphanet 145, MedGen C0677776, MeSH D061325, MONDO:0003582. Disease mechanism: loss of function.

Submissions (4):

Color Diagnostics, LLC DBA Color Health
Classification: Uncertain significance for Hereditary cancer-predisposing syndrome. Last evaluated: 2023-12-05. Review status: criteria provided, single submitter. Criteria: ACMG Guidelines, 2015. Collection method: clinical testing. Allele origin: germline.
Comment: This missense variant replaces alanine with serine at codon 1327 of the BRCA2 protein. Computational prediction suggests that this variant may not impact protein structure and function (internally defined REVEL score threshold <= 0.5, PMID: 27666373). To our knowledge, functional studies have not been reported for this variant. This variant has not been reported in individuals affected with BRCA2-related disorders in the literature. This variant has not been identified in the general population by the Genome Aggregation Database (gnomAD). The available evidence is insufficient to determine the role of this variant in disease conclusively. Therefore, this variant is classified as a Variant of Uncertain Significance.

University of Washington Department of Laboratory Medicine, University of Washington
Classification: Likely benign for Hereditary cancer-predisposing syndrome. Last evaluated: 2023-03-23. Review status: criteria provided, single submitter. Criteria: Dines et al. (Genet Med. 2020). Collection method: curation. Allele origin: germline.
Comment: Missense variant in a coldspot region where missense variants are very unlikely to be pathogenic (PMID:31911673).

BRCA2 exon 11 coldspot. Reclassification based on statistical prior probability.

Labcorp Genetics (formerly Invitae), Labcorp
Classification: Uncertain significance for Hereditary breast ovarian cancer syndrome. Last evaluated: 2022-01-01. Review status: criteria provided, single submitter. Criteria: Invitae Variant Classification Sherloc (09022015). Collection method: clinical testing. Allele origin: germline.
Comment: In summary, the available evidence is currently insufficient to determine the role of this variant in disease. Therefore, it has been classified as a Variant of Uncertain Significance. Advanced modeling of protein sequence and biophysical properties (such as structural, functional, and spatial information, amino acid conservation, physicochemical variation, residue mobility, and thermodynamic stability) performed at Invitae indicates that this missense variant is not expected to disrupt BRCA2 protein function. ClinVar contains an entry for this variant (Variation ID: 630086). This variant has not been reported in the literature in individuals affected with BRCA2-related conditions. This variant is not present in population databases (gnomAD no frequency). This sequence change replaces alanine, which is neutral and non-polar, with serine, which is neutral and polar, at codon 1327 of the BRCA2 protein (p.Ala1327Ser).

Ambry Genetics
Classification: Uncertain significance for Hereditary cancer-predisposing syndrome. Last evaluated: 2021-08-16. Review status: criteria provided, single submitter. Criteria: Ambry Variant Classification Scheme 2023. Collection method: clinical testing. Allele origin: germline.
Comment: The p.A1327S variant (also known as c.3979G>T), located in coding exon 10 of the BRCA2 gene, results from a G to T substitution at nucleotide position 3979. The alanine at codon 1327 is replaced by serine, an amino acid with similar properties. This amino acid position is poorly conserved in available vertebrate species. In addition, this alteration is predicted to be tolerated by in silico analysis. Since supporting evidence is limited at this time, the clinical significance of this alteration remains unclear.